The following is an entry in ClinVar:

NM_006393.3(NEBL):c.1985A>G (p.Tyr662Cys)

Gene: NEBL (nebulette; minus strand). Cytogenetic location: 10p12.31.
Variant type: single nucleotide variant.
Coding change: c.1985A>G on transcript NM_006393.3 (MANE Select); coding-DNA position 1985, A replaced by G.
Protein change: p.Tyr662Cys; replaces tyrosine 662 with cysteine.
Molecular consequence: missense variant. On other transcripts: intron variant (9).
Genome position (GRCh38, 1-based): chr10:20,819,494, T>C on the plus strand (A>G on the coding strand, the complement: NEBL is on the minus strand). VCF-style: chr10-20819494-T-C. GRCh37 (hg19) VCF-style: chr10-21108423-T-C.
Other names: c.250-6554A>G (NM_001377326.1, NM_001377327.1, NM_001377328.1); c.358-6554A>G (NM_213569.2, NM_001173484.2, NM_001377322.1); c.301-6554A>G (NM_001377324.1); c.292-6554A>G (NM_001377325.1); c.310-6554A>G (NM_001377323.1); short protein forms Y662C.
Identifiers: ClinVar variation 3404016 (VCV003404016.1).
Genomic context (GRCh38, chr10:20,819,494, plus strand): 5'-TGCTCCTGGTTTCGCCTCACTCTCTCTATCTCCGGGGTCATGCTTACCGGAGTGGCCTTG[T>C]AGTTTTGCTCTTTATACTGGAGCTGAGAGACAAGGTGCAAGACAGTTTGAGATTATGGGA-3'
Protein context (NP_006384.1, residues 652-672): ISNLQYKEQN[Tyr662Cys]KATPVSMTPE

ClinVar aggregate classification (germline): Uncertain significance (1 of 4 stars; one submission).

gnomAD v4.1: 1 of 1,614,054 alleles (0.000062%); highest among the groups gnomAD compares: Non-Finnish European, 0.000085%; no homozygotes.

Submission:

Ambry Genetics
Classification: Uncertain significance. Last evaluated: 2024-11-02. Review status: criteria provided, single submitter. Criteria: Ambry Variant Classification Scheme 2023. Collection method: clinical testing. Allele origin: germline.
Comment: The p.Y662C variant (also known as c.1985A>G), located in coding exon 20 of the NEBL gene, results from an A to G substitution at nucleotide position 1985. The tyrosine at codon 662 is replaced by cysteine, an amino acid with highly dissimilar properties. This amino acid position is conserved. In addition, this alteration is predicted to be tolerated by in silico analysis. Based on the available evidence, the clinical significance of this variant remains unclear.